The following is an entry in ClinVar:

ClinVar aggregate classification (germline): Likely pathogenic. Review status: criteria provided, multiple submitters, no conflicts (2 of 4 stars). 3 submissions from 3 submitters: Likely pathogenic (3). Last evaluated 2024-12-30.

Conditions:
Tyrosinemia type I (TYRSN1). Also called: Tyrosinemia type 1; Fumarylacetoacetase deficiency; Deficiency of fumarylacetoacetase; HEPATORENAL TYROSINEMIA; FAH DEFICIENCY. Identifiers: Orphanet 882, MedGen C0268490, MONDO:0010161, OMIM 276700. Disease mechanism: loss of function.

gnomAD v4.1: 1 of 1,604,080 alleles (0.000062%); highest among the groups gnomAD compares: African/African-American, 0.0013%; no homozygotes.

Submissions (3):

Natera, Inc.
Classification: Likely pathogenic for Tyrosinemia type I. Last evaluated: 2024-12-30. Review status: criteria provided, single submitter. Criteria: Natera Variant Classification Schema (03/2026). Collection method: clinical testing. Allele origin: germline.
Comment: The c.192+1G>A variant in FAH is a canonical splice donor site variant predicted to affect pre-mRNA splicing, which may result in an abnormal transcript and altered protein product. This variant is expected to result in nonsense mediated decay, truncation, or a dysfunctional protein product. This variant is rare in the general population with a frequency below the threshold expected for the associated phenotype(s). Given the available evidence, this variant is classified as Likely Pathogenic.

Fulgent Genetics
Classification: Likely pathogenic for Tyrosinemia type I. Last evaluated: 2024-05-17. Review status: criteria provided, single submitter. Criteria: ACMG Guidelines, 2015. Collection method: clinical testing. Allele origin: germline.

Baylor Genetics
Classification: Likely pathogenic for Tyrosinemia type I. Last evaluated: 2024-03-26. Review status: criteria provided, single submitter. Criteria: ACMG Guidelines, 2015. Collection method: clinical testing. Allele origin: unknown.

NM_000137.4(FAH):c.192+1G>A

Gene: FAH (fumarylacetoacetate hydrolase; plus strand). Cytogenetic location: 15q25.1.
Variant type: single nucleotide variant.
Coding change: c.192+1G>A on transcript NM_000137.4 (MANE Select); the canonical splice donor site of the intron after coding-DNA position 192, G replaced by A.
Molecular consequence: splice donor variant.
Genome position (GRCh38, 1-based): chr15:80,158,171, G>A. VCF-style: chr15-80158171-G-A. GRCh37 (hg19) VCF-style: chr15-80450513-G-A.
Other names: c.192+1G>A (NM_000137.2, NM_001374377.1, NM_001374380.1).
Identifiers: ClinVar variation 3241517 (VCV003241517.3), dbSNP rs786204683.